The following is an entry in ClinVar:

ClinVar aggregate classification (germline): Likely benign. Review status: criteria provided, multiple submitters, no conflicts (2 of 4 stars). 2 submissions from 2 submitters: Likely benign (2). Last evaluated 2026-01-12.

Conditions:
Carnitine palmitoyl transferase 1A deficiency. Also called: Carnitine palmitoyltransferase 1A deficiency; CPT deficiency, hepatic, type IA; CPT I DEFICIENCY; CPT DEFICIENCY, HEPATIC, TYPE I; Carnitine palmitoyltransferase type I deficiency. Identifiers: Orphanet 156, MedGen C1829703, MONDO:0009705, OMIM 255120.

Allele frequency attached by ClinVar (database versions not stated): TOPMed 0.00005; gnomAD 0.00003; gnomAD exomes 0.00010.
gnomAD v4.1: 32 of 1,613,804 alleles (0.002%); highest among the groups gnomAD compares: Admixed American, 0.05%; no homozygotes.

Submissions (2):

Labcorp Genetics (formerly Invitae), Labcorp
Classification: Likely benign for Carnitine palmitoyl transferase 1A deficiency. Last evaluated: 2026-01-12. Review status: criteria provided, single submitter. Criteria: Invitae Variant Classification Sherloc (09022015). Collection method: clinical testing. Allele origin: germline.

GeneDx
Classification: Likely benign. Last evaluated: 2016-11-04. Review status: criteria provided, single submitter. Criteria: GeneDx Variant Classification (06012015). Collection method: clinical testing. Allele origin: germline. Affected: yes.
Comment: This variant is considered likely benign or benign based on one or more of the following criteria: it is a conservative change, it occurs at a poorly conserved position in the protein, it is predicted to be benign by multiple in silico algorithms, and/or has population frequency not consistent with disease.

NM_001876.4(CPT1A):c.1352+14C>A

Genes: CPT1A (carnitine palmitoyltransferase 1A; minus strand), LOC126861244 (BRD4-independent group 4 enhancer GRCh37_chr11:68549035-68550234; plus strand). Cytogenetic location: 11q13.3.
Variant type: single nucleotide variant.
Coding change: c.1352+14C>A on transcript NM_001876.4 (MANE Select); 14 bases into the intron after coding-DNA position 1352, C replaced by A.
Molecular consequence: intron variant.
Genome position (GRCh38, 1-based): chr11:68,781,757, G>T on the plus strand (C>A on the coding strand, the complement: CPT1A is on the minus strand). VCF-style: chr11-68781757-G-T. GRCh37 (hg19) VCF-style: chr11-68549225-G-T.
Other names: c.1352+14C>A (NM_001031847.3).
Identifiers: ClinVar variation 390403 (VCV000390403.6), dbSNP rs777403181, ClinGen allele CA6152346.